The following is an entry in ClinVar:

ClinVar aggregate classification (germline): Uncertain significance (1 of 4 stars; one submission).

Submission:

Labcorp Genetics (formerly Invitae), Labcorp
Classification: Uncertain significance. Last evaluated: 2022-01-13. Review status: criteria provided, single submitter. Criteria: Invitae Variant Classification Sherloc (09022015). Collection method: clinical testing. Allele origin: germline.
Comment: This variant has not been reported in the literature in individuals affected with USH2A-related conditions. In summary, the available evidence is currently insufficient to determine the role of this variant in disease. Therefore, it has been classified as a Variant of Uncertain Significance. Algorithms developed to predict the effect of missense changes on protein structure and function are either unavailable or do not agree on the potential impact of this missense change (SIFT: "Deleterious"; PolyPhen-2: "Benign"; Align-GVGD: "Class C0"). This variant is not present in population databases (gnomAD no frequency). This sequence change replaces alanine, which is neutral and non-polar, with serine, which is neutral and polar, at codon 1009 of the USH2A protein (p.Ala1009Ser).

NM_206933.4(USH2A):c.3025G>T (p.Ala1009Ser)

Genes: USH2A (usherin; minus strand), USH2A-AS1 (USH2A antisense RNA 1; plus strand). Cytogenetic location: 1q41.
Variant type: single nucleotide variant.
Coding change: c.3025G>T on transcript NM_206933.4 (MANE Select); coding-DNA position 3025, G replaced by T.
Protein change: p.Ala1009Ser; replaces alanine 1009 with serine.
Molecular consequence: missense variant.
Genome position (GRCh38, 1-based): chr1:216,217,519, C>A on the plus strand (G>T on the coding strand, the complement: USH2A is on the minus strand). VCF-style: chr1-216217519-C-A. GRCh37 (hg19) VCF-style: chr1-216390861-C-A.
Other names: c.3025G>T, p.Ala1009Ser (NM_007123.6); short protein forms A1009S.
Identifiers: ClinVar variation 2082283 (VCV002082283.4), dbSNP rs756977189, ClinGen allele CA344862960.